The following is an entry in ClinVar:

ClinVar aggregate classification (germline): Conflicting classifications of pathogenicity. Review status: criteria provided, conflicting classifications (1 of 4 stars). 5 submissions from 5 submitters: Pathogenic (2); Likely pathogenic (1); Uncertain significance (2). Last evaluated 2026-04-15.

Conditions:
CCBE1-related disorder. Also called: CCBE1-related condition.
Hennekam lymphangiectasia-lymphedema syndrome 1 (HKLLS1). Also called: LYMPHATIC DYSPLASIA, GENERALIZED. Identifiers: Orphanet 2136, MedGen C4012050, MONDO:0009337, OMIM 235510.

Allele frequency attached by ClinVar (database versions not stated): gnomAD 0.00006; TOPMed 0.00006; ESP Exome Variant Server 0.00008; gnomAD exomes 0.00014; ExAC 0.00018.
gnomAD v4.1: 203 of 1,614,082 alleles (0.013%); highest among the groups gnomAD compares: Non-Finnish European, 0.017%; no homozygotes.

Submissions (5):

Women's Health and Genetics/Laboratory Corporation of America, LabCorp
Classification: Uncertain significance. Last evaluated: 2026-04-15. Review status: criteria provided, single submitter. Criteria: LabCorp Variant Classification Summary - May 2015. Collection method: clinical testing. Allele origin: germline.
Comment: Variant summary: CCBE1 c.310G>A (p.Asp104Asn) results in a conservative amino acid change in the encoded protein sequence. Algorithms developed to predict the effect of missense changes on protein structure and function are either unavailable or do not agree on the potential impact of this missense change. The variant allele was found at a frequency of 0.00014 in 251328 control chromosomes (gnomAD). This frequency is not significantly higher than estimated for disease-causing variants in CCBE1, allowing no conclusion about variant significance. c.310G>A has been observed in individuals affected with features of Hennekam Lymphangiectasia-Lymphedema Syndrome (Connell_2012, Crawford_2016, Viveiros_2017). These data indicate that the variant may be associated with disease. At least one publication reports experimental evidence evaluating an impact on protein function, finding that the variant fails to rescue a loss of function phenotype in a zebrafish model (Crawford_2016). The following publications have been ascertained in the context of this evaluation (PMID: 22239599, 27345729, 28073151). ClinVar contains an entry for this variant (Variation ID: 1344506). Based on the evidence outlined above, the variant was classified as VUS-possibly pathogenic.

Fulgent Genetics
Classification: Likely pathogenic for Hennekam lymphangiectasia-lymphedema syndrome 1. Last evaluated: 2024-04-07. Review status: criteria provided, single submitter. Criteria: ACMG Guidelines, 2015. Collection method: clinical testing. Allele origin: germline.

Blueprint Genetics
Classification: Pathogenic for CCBE1-related disorders. Last evaluated: 2024-04-03. Review status: criteria provided, single submitter. Criteria: ACMG Guidelines, 2015. Collection method: clinical testing. Allele origin: germline. Affected: yes. Observed: 5 variant alleles.

Labcorp Genetics (formerly Invitae), Labcorp
Classification: Uncertain significance. Last evaluated: 2022-08-21. Review status: criteria provided, single submitter. Criteria: Invitae Variant Classification Sherloc (09022015). Collection method: clinical testing. Allele origin: germline.
Comment: This sequence change replaces aspartic acid, which is acidic and polar, with asparagine, which is neutral and polar, at codon 104 of the CCBE1 protein (p.Asp104Asn). This variant is present in population databases (rs139165727, gnomAD 0.03%). This missense change has been observed in individual(s) with Hennekam lymphangiectasia-lymphedema syndrome, generalized lymphatic dysplasia, and lymphedema-cholestasis syndrome (PMID: 22239599, 27345729, 28073151). It has also been observed to segregate with disease in related individuals. ClinVar contains an entry for this variant (Variation ID: 1344506). Algorithms developed to predict the effect of missense changes on protein structure and function are either unavailable or do not agree on the potential impact of this missense change (SIFT: "Deleterious"; PolyPhen-2: "Probably Damaging"; Align-GVGD: "Class C0"). Experimental studies have shown that this missense change affects CCBE1 function (PMID: 27345729). In summary, the available evidence is currently insufficient to determine the role of this variant in disease. Therefore, it has been classified as a Variant of Uncertain Significance.

Seattle Children's Hospital Molecular Genetics Laboratory, Seattle Children's Hospital
Classification: Pathogenic. Review status: criteria provided, single submitter. Criteria: ACMG Guidelines, 2015. Collection method: clinical testing. Allele origin: unknown. Inheritance: Autosomal recessive inheritance. Affected: yes.
Comment: The CCBE1 c.310G>A variant replaces the aspartic acid with asparagine at amino acid position 104 of the protein. This variant has been found at a low frequency in a large population cohort, primarily in individuals with European ancestry (Gnomad v21.1, European: 36 of 129,054 alleles, 0.03%, no homozygous individuals reported). The majority of in silico tools predict that the c.310G>A variant has a damaging impact on protein function and functional studies are consistent with a loss of function effect (PMID: 27345729).

Literature cited by the submitters: PubMed 22239599 (cited by Women's Health and Genetics/Laboratory Corporation of America, LabCorp and Labcorp Genetics (formerly Invitae), Labcorp); PubMed 27345729 (cited by 3 submitters); PubMed 28073151 (cited by Women's Health and Genetics/Laboratory Corporation of America, LabCorp and Labcorp Genetics (formerly Invitae), Labcorp).

NM_133459.4(CCBE1):c.310G>A (p.Asp104Asn)

Gene: CCBE1 (collagen and calcium binding EGF domains 1; minus strand). Cytogenetic location: 18q21.32.
Variant type: single nucleotide variant.
Coding change: c.310G>A on transcript NM_133459.4 (MANE Select); coding-DNA position 310, G replaced by A.
Protein change: p.Asp104Asn; replaces aspartic acid 104 with asparagine.
Molecular consequence: missense variant.
Genome position (GRCh38, 1-based): chr18:59,469,563, C>T on the plus strand (G>A on the coding strand, the complement: CCBE1 is on the minus strand). VCF-style: chr18-59469563-C-T. GRCh37 (hg19) VCF-style: chr18-57136795-C-T.
Other names: short protein forms D104N.
Identifiers: ClinVar variation 1344506 (VCV001344506.7), dbSNP rs139165727, ClinGen allele CA8980543.